The following is an entry in ClinVar:

ClinVar aggregate classification (germline): Pathogenic (1 of 4 stars; one submission).

Conditions:
Ataxia-telangiectasia syndrome (AT). Also called: Cerebello-oculocutaneous telangiectasia; Immunodeficiency with ataxia telangiectasia; ATAXIA-TELANGIECTASIA, FRESNO VARIANT; Ataxia-telangiectasia, complementation group D; Ataxia telangiectasia (A-T); LOUIS-BAR SYNDROME. Identifiers: Orphanet 100, MedGen C0004135, MONDO:0008840, OMIM 208900.

Submission:

Labcorp Genetics (formerly Invitae), Labcorp
Classification: Pathogenic for Ataxia-telangiectasia syndrome. Last evaluated: 2020-04-28. Review status: criteria provided, single submitter. Criteria: Invitae Variant Classification Sherloc (09022015). Collection method: clinical testing. Allele origin: germline.
Comment: This sequence change creates a premature translational stop signal (p.Lys196Argfs*5) in the ATM gene. It is expected to result in an absent or disrupted protein product. This variant is not present in population databases (ExAC no frequency). This variant has not been reported in the literature in individuals with ATM-related conditions. Loss-of-function variants in ATM are known to be pathogenic (PMID: 23807571, 25614872). For these reasons, this variant has been classified as Pathogenic.

Literature cited by the submitters: PubMed 23807571; PubMed 25614872.

NM_000051.4(ATM):c.587_602del (p.Lys196fs)

Gene: ATM (ATM serine/threonine kinase; plus strand). Cytogenetic location: 11q22.3.
Variant type: Deletion.
Coding change: c.587_602del on transcript NM_000051.4 (MANE Select); coding-DNA positions 587 to 602, 16 bases deleted (AAGGATGCTGTTCTCA).
Protein change: p.Lys196fs; shifts the reading frame from lysine 196.
Molecular consequence: frameshift variant.
Genome position (GRCh38, 1-based): chr11:108,244,043-108,244,058, AAGGATGCTGTTCTCA deleted; deleting any 16 consecutive bases within chr11:108,244,041-108,244,058 gives the same sequence; the c. name uses the placement nearest the transcript's 3' end. VCF-style (leftmost placement, unchanged base first): chr11-108244040-CCAAAGGATGCTGTTCT-C. GRCh37 (hg19) VCF-style: chr11-108114767-CCAAAGGATGCTGTTCT-C.
Other names: c.587_602del, p.Lys196fs (NM_001351834.2); short protein forms K196fs.
Identifiers: ClinVar variation 1076696 (VCV001076696.7), dbSNP rs2135224893, ClinGen allele CA2499220543.